The following is an entry in ClinVar:

ClinVar aggregate classification (germline): Uncertain significance (1 of 4 stars; one submission).

Conditions:
Acrocallosal syndrome (ACLS). Also called: Schinzel syndrome 1; Absence of corpus callosum with unusual facial appearance, mental deficiency, duplication of the halluces and polydactyly; HALLUX DUPLICATION, POSTAXIAL POLYDACTYLY, AND ABSENCE OF CORPUS CALLOSUM. Identifiers: Orphanet 36, MedGen C0796147, MONDO:0008708, OMIM 200990.

Submission:

Labcorp Genetics (formerly Invitae), Labcorp
Classification: Uncertain significance for Acrocallosal syndrome. Last evaluated: 2022-07-20. Review status: criteria provided, single submitter. Criteria: Invitae Variant Classification Sherloc (09022015). Collection method: clinical testing. Allele origin: germline.
Comment: This variant, c.1588_1590del, results in the deletion of 1 amino acid(s) of the KIF7 protein (p.Glu530del), but otherwise preserves the integrity of the reading frame. This variant is present in population databases (rs759450390, gnomAD 0.003%). This variant has not been reported in the literature in individuals affected with KIF7-related conditions. Experimental studies and prediction algorithms are not available or were not evaluated, and the functional significance of this variant is currently unknown. In summary, the available evidence is currently insufficient to determine the role of this variant in disease. Therefore, it has been classified as a Variant of Uncertain Significance.

NM_198525.3(KIF7):c.1585GAG[1] (p.Glu530del)

Gene: KIF7 (kinesin family member 7; minus strand). Cytogenetic location: 15q26.1.
Variant type: Microsatellite.
Coding change: c.1585GAG[1] on transcript NM_198525.3 (MANE Select); one copy of the 3-base unit GAG starting at c.1585; the reference has two copies in a row; one copy, 3 bases deleted.
Protein change: p.Glu530del; deletes glutamic acid 530.
Molecular consequence: inframe deletion.
Genome position (GRCh38, 1-based): chr15:89,647,028-89,647,030, CTC deleted on the plus strand (GAG on the coding strand, the reverse complement: KIF7 is on the minus strand); deleting any 3 consecutive bases within chr15:89,647,028-89,647,035 gives the same sequence; the position shown is the placement nearest the transcript's 3' end. VCF-style (leftmost placement, unchanged base first): chr15-89647027-TCTC-T. GRCh37 (hg19) VCF-style: chr15-90190258-TCTC-T.
Other names: short protein forms E530del.
Identifiers: ClinVar variation 1991610 (VCV001991610.1), dbSNP rs759450390, ClinGen allele CA7728510.
Genomic context (GRCh38, chr15:89,647,027, plus strand): 5'-GGAGCCGCGGGCCCCCCCAGCCTGGCCGCACCAGCTCTAACCGCAGCCGCAGTTCCACCA[TCTC>T]CTCCTGCTGCTCACGCAGCCGGTCGCTCTGCAAGACATGGTCCAGGTGCCAAGGGGGCAT-3'